The following is an entry in ClinVar:

ClinVar aggregate classification (germline): Uncertain significance (1 of 4 stars; one submission).

Conditions:
Epileptic encephalopathy. Identifiers: MedGen C0543888, HP:0200134.

Allele frequency attached by ClinVar (database versions not stated): gnomAD exomes below 0.00001.
gnomAD v4.1: 1 of 1,590,542 alleles (0.000063%); highest among the groups gnomAD compares: Admixed American, 0.0018%; no homozygotes.

Submission:

Labcorp Genetics (formerly Invitae), Labcorp
Classification: Uncertain significance for Epileptic encephalopathy. Last evaluated: 2022-06-19. Review status: criteria provided, single submitter. Criteria: Invitae Variant Classification Sherloc (09022015). Collection method: clinical testing. Allele origin: germline.
Comment: In summary, the available evidence is currently insufficient to determine the role of this variant in disease. Therefore, it has been classified as a Variant of Uncertain Significance. This sequence change replaces cysteine, which is neutral and slightly polar, with glycine, which is neutral and non-polar, at codon 1315 of the FASN protein (p.Cys1315Gly). This variant is not present in population databases (gnomAD no frequency). This variant has not been reported in the literature in individuals affected with FASN-related conditions. Algorithms developed to predict the effect of missense changes on protein structure and function are either unavailable or do not agree on the potential impact of this missense change (SIFT: "Deleterious"; PolyPhen-2: "Possibly Damaging"; Align-GVGD: "Class C0").

NM_004104.5(FASN):c.3943T>G (p.Cys1315Gly)

Gene: FASN (fatty acid synthase; minus strand). Cytogenetic location: 17q25.3.
Variant type: single nucleotide variant.
Coding change: c.3943T>G on transcript NM_004104.5 (MANE Select); coding-DNA position 3943, T replaced by G.
Protein change: p.Cys1315Gly; replaces cysteine 1315 with glycine.
Molecular consequence: missense variant.
Genome position (GRCh38, 1-based): chr17:82,085,661, A>C on the plus strand (T>G on the coding strand, the complement: FASN is on the minus strand). VCF-style: chr17-82085661-A-C. GRCh37 (hg19) VCF-style: chr17-80043537-A-C.
Other names: short protein forms C1315G.
Identifiers: ClinVar variation 2008222 (VCV002008222.4), dbSNP rs2509835012, ClinGen allele CA401549592.